The following is an entry in ClinVar:

NM_001457.4(FLNB):c.6889-2A>G

Gene: FLNB (filamin B; plus strand). Cytogenetic location: 3p14.3.
Variant type: single nucleotide variant.
Coding change: c.6889-2A>G on transcript NM_001457.4 (MANE Select); the canonical splice acceptor site of the intron before coding-DNA position 6889, A replaced by G.
Molecular consequence: splice acceptor variant.
Genome position (GRCh38, 1-based): chr3:58,159,552, A>G. VCF-style: chr3-58159552-A-G. GRCh37 (hg19) VCF-style: chr3-58145279-A-G.
Other names: c.6982-2A>G (NM_001164317.2); c.6856-2A>G (NM_001164318.2); c.6817-2A>G (NM_001164319.2).
Identifiers: ClinVar variation 3393047 (VCV003393047.2).

ClinVar aggregate classification (germline): Likely pathogenic (1 of 4 stars; one submission).

Conditions:
Spondylocarpotarsal synostosis syndrome (SCT). Also called: Synspondylism congenital; Scoliosis, congenital with unilateral unsegmented bar; Spondylocarpotarsal Synostosis Syndrome (FLNB-SCT); SPONDYLOCARPOTARSAL SYNDROME; VERTEBRAL FUSION WITH CARPAL COALITION. Identifiers: Orphanet 3275, MedGen C1848934, MONDO:0010094, OMIM 272460.

Submission:

Kasturba Medical College, Manipal, Kasturba Medical College, Manipal, Manipal Academy of Higher Education, Manipal, India
Classification: Likely pathogenic for Spondylocarpotarsal synostosis syndrome. Review status: criteria provided, single submitter. Criteria: ACMG Guidelines, 2015. Collection method: research. Allele origin: biparental. Inheritance: Autosomal recessive inheritance. Affected: yes. Observed: 1 heterozygote.
Comment: This variant is absent in the gnomAD (v4.1.0) population database and in our in-house data of 3355 exomes. It is highly likely that this canonical splice site variants result in aberrant splicing and lead to either the formation of a truncated protein product or the transcript may undergo nonsense mediated mRNA decay.